The following is an entry in ClinVar:

NM_152564.5(VPS13B):c.11057C>A (p.Ser3686Tyr)

Gene: VPS13B (vacuolar protein sorting 13 homolog B; plus strand). Cytogenetic location: 8q22.2.
Variant type: single nucleotide variant.
Coding change: c.11057C>A on transcript NM_152564.5 (MANE Select); coding-DNA position 11057, C replaced by A.
Protein change: p.Ser3686Tyr; replaces serine 3686 with tyrosine.
Molecular consequence: missense variant.
Genome position (GRCh38, 1-based): chr8:99,861,788, C>A. VCF-style: chr8-99861788-C-A. GRCh37 (hg19) VCF-style: chr8-100874016-C-A.
Other names: c.11132C>A, p.Ser3711Tyr (NM_017890.5); short protein forms S3711Y, S3686Y.
Identifiers: ClinVar variation 842056 (VCV000842056.11), dbSNP rs1464523452, ClinGen allele CA371790221.

ClinVar aggregate classification (germline): Uncertain significance. Review status: criteria provided, single submitter (1 of 4 stars). 2 submissions from 2 submitters: Uncertain significance (1). 1 of the submissions does not count toward it. Last evaluated 2022-06-28.

Conditions:
Cohen syndrome (COH1). Also called: PEPPER SYNDROME; Cutis verticis gyrata, retinitis pigmentosa, and sensorineural deafness. Identifiers: Orphanet 193, MedGen C0265223, MONDO:0008999, OMIM 216550.

Allele frequency attached by ClinVar (database versions not stated): gnomAD exomes below 0.00001.
gnomAD v4.1: 1 of 1,595,364 alleles (0.000063%); highest among the groups gnomAD compares: Non-Finnish European, 0.000085%; no homozygotes.

Submissions (2):

Labcorp Genetics (formerly Invitae), Labcorp
Classification: Uncertain significance for Cohen syndrome. Last evaluated: 2022-06-28. Review status: criteria provided, single submitter. Criteria: Invitae Variant Classification Sherloc (09022015). Collection method: clinical testing. Allele origin: germline.
Comment: In summary, the available evidence is currently insufficient to determine the role of this variant in disease. Therefore, it has been classified as a Variant of Uncertain Significance. Algorithms developed to predict the effect of missense changes on protein structure and function are either unavailable or do not agree on the potential impact of this missense change (SIFT: "Not Available"; PolyPhen-2: "Possibly Damaging"; Align-GVGD: "Not Available"). ClinVar contains an entry for this variant (Variation ID: 842056). This variant has not been reported in the literature in individuals affected with VPS13B-related conditions. The frequency data for this variant in the population databases is considered unreliable, as metrics indicate poor data quality at this position in the gnomAD database. This sequence change replaces serine, which is neutral and polar, with tyrosine, which is neutral and polar, at codon 3711 of the VPS13B protein (p.Ser3711Tyr).

Natera, Inc.
Classification: Uncertain significance for Cohen syndrome. Last evaluated: 2020-08-17. Review status: no assertion criteria provided. Collection method: clinical testing. Allele origin: germline. Not counted in ClinVar's aggregate classification.